The following is an entry in ClinVar:

NM_000121.4(EPOR):c.778G>A (p.Val260Met)

Gene: EPOR (erythropoietin receptor; minus strand). Cytogenetic location: 19p13.2.
Variant type: single nucleotide variant.
Coding change: c.778G>A on transcript NM_000121.4 (MANE Select); coding-DNA position 778, G replaced by A.
Protein change: p.Val260Met; replaces valine 260 with methionine.
Molecular consequence: missense variant. On other transcripts: non-coding transcript variant (1).
Genome position (GRCh38, 1-based): chr19:11,380,933, C>T on the plus strand (G>A on the coding strand, the complement: EPOR is on the minus strand). VCF-style: chr19-11380933-C-T. GRCh37 (hg19) VCF-style: chr19-11491609-C-T.
Other names: short protein forms V260M.
Identifiers: ClinVar variation 3895909 (VCV003895909.1).
Genomic context (GRCh38, chr19:11,380,933, plus strand): 5'-GGGGAGCTCACCGGCGGTGGGAGAGCAGCGCGAGCACGGTCAGCAGCACCAGGATGACCA[C>T]GAGGATGAGGGAGAGCGTCAGGATGAGGGGGTCCAGGTCTAAGAGGCGGGGAGGAGGTCA-3'
Protein context (NP_000112.1, residues 250-270): PLILTLSLIL[Val260Met]VILVLLTVLA

ClinVar aggregate classification (germline): Uncertain significance (1 of 4 stars; one submission).

gnomAD v4.1: 5 of 1,551,862 alleles (0.00032%); highest among the groups gnomAD compares: African/African-American, 0.0068%; no homozygotes.

Submission:

Women's Health and Genetics/Laboratory Corporation of America, LabCorp
Classification: Uncertain significance. Last evaluated: 2025-03-27. Review status: criteria provided, single submitter. Criteria: LabCorp Variant Classification Summary - May 2015. Collection method: clinical testing. Allele origin: germline.
Comment: Variant summary: EPOR c.778G>A (p.Val260Met) results in a conservative amino acid change in the encoded protein sequence. Three of four in-silico tools predict a benign effect of the variant on protein function. The variant allele was found at a frequency of 1.3e-05 in 157056 control chromosomes (gnomAD). The available data on variant occurrences in the general population are insufficient to allow any conclusion about variant significance. To our knowledge, no occurrence of c.778G>A in individuals affected with Primary Familial Polycythemia Due To EPO Receptor Mutation and no experimental evidence demonstrating its impact on protein function have been reported. No submitters have cited clinical-significance assessments for this variant to ClinVar. Based on the evidence outlined above, the variant was classified as uncertain significance.